The following is an entry in ClinVar:

NM_000051.4(ATM):c.4402_4403delinsA (p.Val1468fs)

Gene: ATM (ATM serine/threonine kinase; plus strand). Cytogenetic location: 11q22.3.
Variant type: Indel.
Coding change: c.4402_4403delinsA on transcript NM_000051.4 (MANE Select); coding-DNA positions 4402 to 4403, GT replaced by A.
Protein change: p.Val1468fs; shifts the reading frame from valine 1468.
Molecular consequence: frameshift variant.
Genome position (GRCh38, 1-based): chr11:108,289,767-108,289,768, GT replaced by A. VCF-style: chr11-108289767-GT-A. GRCh37 (hg19) VCF-style: chr11-108160494-GT-A.
Other names: c.4402_4403delinsA, p.Val1468fs (NM_001351834.2); short protein forms V1468fs.
Identifiers: ClinVar variation 644918 (VCV000644918.5), dbSNP rs1591663850, ClinGen allele CA915944419.

ClinVar aggregate classification (germline): Pathogenic (1 of 4 stars; one submission).

Conditions:
Ataxia-telangiectasia syndrome (AT). Also called: LOUIS-BAR SYNDROME; Ataxia-telangiectasia, complementation group E; Ataxia-telangiectasia, complementation group D; AT, COMPLEMENTATION GROUP C; Ataxia telangiectasia (A-T); Cerebello-oculocutaneous telangiectasia. Identifiers: Orphanet 100, MedGen C0004135, MONDO:0008840, OMIM 208900.

Submission:

Labcorp Genetics (formerly Invitae), Labcorp
Classification: Pathogenic for Ataxia-telangiectasia syndrome. Last evaluated: 2018-10-09. Review status: criteria provided, single submitter. Criteria: Invitae Variant Classification Sherloc (09022015). Collection method: clinical testing. Allele origin: germline.
Comment: For these reasons, this variant has been classified as Pathogenic. Loss-of-function variants in ATM are known to be pathogenic (PMID: 23807571, 25614872). This variant has not been reported in the literature in individuals with ATM-related disease. This variant is not present in population databases (ExAC no frequency). This sequence change creates a premature translational stop signal (p.Val1468Ilefs*5) in the ATM gene. It is expected to result in an absent or disrupted protein product.

Literature cited by the submitters: PubMed 23807571; PubMed 25614872.